The following is an entry in ClinVar:

ClinVar aggregate classification (germline): Uncertain significance (1 of 4 stars; one submission).

Conditions:
Carnitine palmitoyl transferase 1A deficiency. Also called: Carnitine palmitoyltransferase type I deficiency; Carnitine palmitoyltransferase 1A deficiency; CPT I DEFICIENCY; CPT DEFICIENCY, HEPATIC, TYPE I; CPT deficiency, hepatic, type IA. Identifiers: Orphanet 156, MedGen C1829703, MONDO:0009705, OMIM 255120.

Submission:

Labcorp Genetics (formerly Invitae), Labcorp
Classification: Uncertain significance for Carnitine palmitoyl transferase 1A deficiency. Last evaluated: 2024-10-28. Review status: criteria provided, single submitter. Criteria: Invitae Variant Classification Sherloc (09022015). Collection method: clinical testing. Allele origin: germline.
Comment: This sequence change replaces aspartic acid, which is acidic and polar, with tyrosine, which is neutral and polar, at codon 258 of the CPT1A protein (p.Asp258Tyr). This variant is not present in population databases (gnomAD no frequency). This variant has not been reported in the literature in individuals affected with CPT1A-related conditions. ClinVar contains an entry for this variant (Variation ID: 2087743). An algorithm developed to predict the effect of missense changes on protein structure and function (PolyPhen-2) suggests that this variant is likely to be disruptive. In summary, the available evidence is currently insufficient to determine the role of this variant in disease. Therefore, it has been classified as a Variant of Uncertain Significance.

NM_001876.4(CPT1A):c.772G>T (p.Asp258Tyr)

Gene: CPT1A (carnitine palmitoyltransferase 1A; minus strand). Cytogenetic location: 11q13.3.
Variant type: single nucleotide variant.
Coding change: c.772G>T on transcript NM_001876.4 (MANE Select); coding-DNA position 772, G replaced by T.
Protein change: p.Asp258Tyr; replaces aspartic acid 258 with tyrosine.
Molecular consequence: missense variant.
Genome position (GRCh38, 1-based): chr11:68,794,911, C>A on the plus strand (G>T on the coding strand, the complement: CPT1A is on the minus strand). VCF-style: chr11-68794911-C-A. GRCh37 (hg19) VCF-style: chr11-68562379-C-A.
Other names: c.772G>T, p.Asp258Tyr (NM_001031847.3); short protein forms D258Y.
Identifiers: ClinVar variation 2087743 (VCV002087743.4), dbSNP rs2495619015, ClinGen allele CA381634771.